The following is an entry in ClinVar:

NM_032830.3(UTP4):c.1677G>C (p.Gln559His)

Gene: UTP4 (UTP4 small subunit processome component). Cytogenetic location: 16q22.1.
Variant type: single nucleotide variant.
Coding change: c.1677G>C on transcript NM_032830.3 (MANE Select); coding-DNA position 1677, G replaced by C.
Protein change: p.Gln559His; replaces glutamine 559 with histidine.
Molecular consequence: missense variant.
Genome position (GRCh38, 1-based): chr16:69,165,370, G>C. VCF-style: chr16-69165370-G-C. GRCh37 (hg19) VCF-style: chr16-69199273-G-C.
Other names: c.1428G>C, p.Gln476His (NM_001318391.2); short protein forms Q476H, Q559H.
Identifiers: ClinVar variation 4999062 (VCV004999062.1).

ClinVar aggregate classification (germline): Uncertain significance (1 of 4 stars; one submission).

Conditions:
UTP4-related disorder. Also called: UTP4-related condition.

Submission:

PreventionGenetics, part of Exact Sciences
Classification: Uncertain significance for UTP4-related condition. Last evaluated: 2025-05-12. Review status: criteria provided, single submitter. Criteria: ACMG Guidelines, 2015. Collection method: clinical testing. Allele origin: germline.
Comment: The UTP4 c.1677G>C variant is predicted to result in the amino acid substitution p.Gln559His. To our knowledge, this variant has not been reported in the literature or in a large population database (gnomAD), indicating this variant is rare. At this time, the clinical significance of this variant is uncertain due to the absence of conclusive functional and genetic evidence.